The following is an entry in ClinVar:

ClinVar aggregate classification (germline): Conflicting classifications of pathogenicity. Review status: criteria provided, conflicting classifications (1 of 4 stars). 4 submissions from 4 submitters: Uncertain significance (2); Benign (1). 1 of the submissions does not count toward it. Last evaluated 2025-09-14.

Conditions:
CREBBP-related disorder. Also called: CREBBP-related condition; CREBBP-related disorders.
Rubinstein-Taybi syndrome (RSTS). Identifiers: Orphanet 783, MedGen C0035934, MONDO:0019188.
Rubinstein-Taybi syndrome due to CREBBP mutations (RSTS1). Also called: Rubinstein-Taybi syndrome 1; RUBINSTEIN-TAYBI SYNDROME 1, INCOMPLETE; BROAD THUMB-HALLUX SYNDROME; RUBINSTEIN SYNDROME; BROAD THUMBS AND GREAT TOES, CHARACTERISTIC FACIES, AND IMPAIRED INTELLECTUAL DEVELOPMENT; CREBBP-Related Rubinstein-Taybi Syndrome. Identifiers: Orphanet 353277, Orphanet 783, MedGen C4551859, MONDO:0008393, OMIM 180849.
Menke-Hennekam syndrome 1 (MKHK1). Identifiers: MedGen C5193034, MONDO:0020763, OMIM 618332.

Allele frequency attached by ClinVar (database versions not stated): ExAC 0.00001; gnomAD 0.00001; gnomAD exomes 0.00001; TOPMed 0.00001.
gnomAD v4.1: 7 of 1,612,066 alleles (0.00043%); highest among the groups gnomAD compares: Admixed American, 0.012%; no homozygotes.

Submissions (4):

Labcorp Genetics (formerly Invitae), Labcorp
Classification: Benign for Rubinstein-Taybi syndrome. Last evaluated: 2025-09-14. Review status: criteria provided, single submitter. Criteria: Invitae Variant Classification Sherloc (09022015). Collection method: clinical testing. Allele origin: germline.

Fulgent Genetics
Classification: Uncertain significance for Rubinstein-Taybi syndrome due to CREBBP mutations; Menke-Hennekam syndrome 1. Last evaluated: 2024-02-23. Review status: criteria provided, single submitter. Criteria: ACMG Guidelines, 2015. Collection method: clinical testing. Allele origin: germline.

GeneDx
Classification: Uncertain significance. Last evaluated: 2023-11-28. Review status: criteria provided, single submitter. Criteria: GeneDx Variant Classification Process June 2021. Collection method: clinical testing. Allele origin: germline. Affected: yes.
Comment: In silico analysis supports that this missense variant has a deleterious effect on protein structure/function; Has not been previously published as pathogenic or benign to our knowledge

PreventionGenetics, part of Exact Sciences
Classification: Uncertain significance for CREBBP-related condition. Last evaluated: 2024-02-01. Review status: no assertion criteria provided. Collection method: clinical testing. Allele origin: germline. Not counted in ClinVar's aggregate classification.
Comment: The CREBBP c.2307G>A variant is predicted to result in the amino acid substitution p.Met769Ile. To our knowledge, this variant has not been reported in the literature. This variant is reported in 0.0087% of alleles in individuals of Latino descent in gnomAD. At this time, the clinical significance of this variant is uncertain due to the absence of conclusive functional and genetic evidence.

NM_004380.3(CREBBP):c.2307G>A (p.Met769Ile)

Gene: CREBBP (CREB binding lysine acetyltransferase; minus strand). Cytogenetic location: 16p13.3.
Variant type: single nucleotide variant.
Coding change: c.2307G>A on transcript NM_004380.3 (MANE Select); coding-DNA position 2307, G replaced by A.
Protein change: p.Met769Ile; replaces methionine 769 with isoleucine.
Molecular consequence: missense variant.
Genome position (GRCh38, 1-based): chr16:3,773,907, C>T on the plus strand (G>A on the coding strand, the complement: CREBBP is on the minus strand). VCF-style: chr16-3773907-C-T. GRCh37 (hg19) VCF-style: chr16-3823908-C-T.
Other names: c.2193G>A, p.Met731Ile (NM_001079846.1); short protein forms M731I, M769I.
Identifiers: ClinVar variation 3036029 (VCV003036029.6), dbSNP rs778251901, ClinGen allele CA7870164.
Genomic context (GRCh38, chr16:3,773,907, plus strand): 5'-AGCGGGCGCCTGGGCCATCATGTTGTTGGTGTGTGCACCCATCATGTTCGGAGGCTGAGG[C>T]ATTCGGGAAGGAGAAATGGCCATCTACGAGACAACAAGCACCACCAGAGCTGTAGTTCGG-3'
Protein context (NP_004371.2, residues 759-779): VPGMAISPSR[Met769Ile]PQPPNMMGAH